The following is an entry in ClinVar:

NM_000112.4(SLC26A2):c.1898A>T (p.Asp633Val)

Gene: SLC26A2 (solute carrier family 26 member 2; plus strand). Cytogenetic location: 5q32.
Variant type: single nucleotide variant.
Coding change: c.1898A>T on transcript NM_000112.4 (MANE Select); coding-DNA position 1898, A replaced by T.
Protein change: p.Asp633Val; replaces aspartic acid 633 with valine.
Molecular consequence: missense variant.
Genome position (GRCh38, 1-based): chr5:149,981,491, A>T. VCF-style: chr5-149981491-A-T. GRCh37 (hg19) VCF-style: chr5-149361054-A-T.
Other names: short protein forms D633V.
Identifiers: ClinVar variation 2142656 (VCV002142656.1), dbSNP rs1334933270, ClinGen allele CA361709278.

ClinVar aggregate classification (germline): Uncertain significance (1 of 4 stars; one submission).

Conditions:
Achondrogenesis, type IB (ACG1B). Also called: Achondrogenesis Type 1B. Identifiers: Orphanet 932, Orphanet 93298, MedGen C0265274, MONDO:0010966, OMIM 600972.
Multiple epiphyseal dysplasia type 4 (EDM4). Also called: SLC26A2-Related Multiple Epiphyseal Dysplasia; Multiple Epiphyseal Dysplasia, Recessive; MULTIPLE EPIPHYSEAL DYSPLASIA WITH BILAYERED PATELLAE; MULTIPLE EPIPHYSEAL DYSPLASIA WITH CLUBFOOT; MULTIPLE EPIPHYSEAL DYSPLASIA, AUTOSOMAL RECESSIVE. Identifiers: Orphanet 93307, MedGen C1847593, MONDO:0009189, OMIM 226900.
Atelosteogenesis type II (AO2). Also called: Neonatal osseous dysplasia 1; SLC26A2-Related Atelosteogenesis; NEONATAL OSSEOUS DYSPLASIA I. Identifiers: Orphanet 56304, MedGen C1850554, MONDO:0009727, OMIM 256050.
Diastrophic dysplasia (DTD). Also called: Diastrophic dwarfism. Identifiers: Orphanet 628, MedGen C0220726, MONDO:0009107, OMIM 222600.

Allele frequency attached by ClinVar (database versions not stated): gnomAD 0.00001; gnomAD exomes 0.00001.

Submission:

Labcorp Genetics (formerly Invitae), Labcorp
Classification: Uncertain significance for Atelosteogenesis type II; Multiple epiphyseal dysplasia type 4; Achondrogenesis, type IB; Diastrophic dysplasia. Last evaluated: 2022-08-22. Review status: criteria provided, single submitter. Criteria: Invitae Variant Classification Sherloc (09022015). Collection method: clinical testing. Allele origin: germline.
Comment: This sequence change replaces aspartic acid, which is acidic and polar, with valine, which is neutral and non-polar, at codon 633 of the SLC26A2 protein (p.Asp633Val). This variant is present in population databases (no rsID available, gnomAD 0.002%). This variant has not been reported in the literature in individuals affected with SLC26A2-related conditions. Advanced modeling of protein sequence and biophysical properties (such as structural, functional, and spatial information, amino acid conservation, physicochemical variation, residue mobility, and thermodynamic stability) performed at Invitae indicates that this missense variant is not expected to disrupt SLC26A2 protein function. Algorithms developed to predict the effect of sequence changes on RNA splicing suggest that this variant may create or strengthen a splice site. In summary, the available evidence is currently insufficient to determine the role of this variant in disease. Therefore, it has been classified as a Variant of Uncertain Significance.